The following is an entry in ClinVar:

NM_001367721.1(CASK):c.1946T>C (p.Ile649Thr)

Gene: CASK (calcium/calmodulin dependent serine protein kinase; minus strand). Cytogenetic location: Xp11.4.
Variant type: single nucleotide variant.
Coding change: c.1946T>C on transcript NM_001367721.1 (MANE Select); coding-DNA position 1946, T replaced by C.
Protein change: p.Ile649Thr; replaces isoleucine 649 with threonine.
Molecular consequence: missense variant.
Genome position (GRCh38, 1-based): chrX:41,553,812, A>G on the plus strand (T>C on the coding strand, the complement: CASK is on the minus strand). VCF-style: chrX-41553812-A-G. GRCh37 (hg19) VCF-style: chrX-41413065-A-G.
Other names: c.1946T>C (NM_003688.3); c.1877T>C, p.Ile626Thr (NM_001126054.3); c.1859T>C, p.Ile620Thr (NM_001126055.3); c.1928T>C, p.Ile643Thr (NM_001410745.1); c.1946T>C, p.Ile649Thr (NM_003688.4); short protein forms I626T, I620T, I643T, I649T.
Identifiers: ClinVar variation 3730676 (VCV003730676.4).

ClinVar aggregate classification (germline): Uncertain significance. Review status: criteria provided, multiple submitters, no conflicts (2 of 4 stars). 2 submissions from 2 submitters: Uncertain significance (2). Last evaluated 2026-09-05.

Conditions:
Intellectual disability, CASK-related, X-linked. Identifiers: MedGen CN043158.

Submissions (2):

GeneDx
Classification: Uncertain significance. Last evaluated: 2026-09-05. Review status: criteria provided, single submitter. Criteria: GeneDx Variant Classification Process June 2021. Collection method: clinical testing. Allele origin: germline.
Comment: Has not been previously published as pathogenic or benign to our knowledge; Not observed at significant frequency in large population cohorts (gnomAD); In silico analysis supports that this missense variant has a deleterious effect on protein structure/function

Labcorp Genetics (formerly Invitae), Labcorp
Classification: Uncertain significance for Intellectual disability, CASK-related, X-linked. Last evaluated: 2024-04-17. Review status: criteria provided, single submitter. Criteria: Invitae Variant Classification Sherloc (09022015). Collection method: clinical testing. Allele origin: germline.
Comment: This sequence change replaces isoleucine, which is neutral and non-polar, with threonine, which is neutral and polar, at codon 649 of the CASK protein (p.Ile649Thr). This variant is not present in population databases (gnomAD no frequency). This variant has not been reported in the literature in individuals affected with CASK-related conditions. Advanced modeling of protein sequence and biophysical properties (such as structural, functional, and spatial information, amino acid conservation, physicochemical variation, residue mobility, and thermodynamic stability) has been performed at Invitae for this missense variant, however the output from this modeling did not meet the statistical confidence thresholds required to predict the impact of this variant on CASK protein function. In summary, the available evidence is currently insufficient to determine the role of this variant in disease. Therefore, it has been classified as a Variant of Uncertain Significance.